The following is an entry in ClinVar:

ClinVar aggregate classification (germline): Uncertain significance. Review status: criteria provided, multiple submitters, no conflicts (2 of 4 stars). 2 submissions from 2 submitters: Uncertain significance (2). Last evaluated 2025-04-18.

Conditions:
Inborn genetic diseases. Identifiers: MedGen C0950123, MeSH D030342.

Allele frequency attached by ClinVar (database versions not stated): gnomAD exomes below 0.00001; TOPMed 0.00001.
gnomAD v4.1: 2 of 1,613,274 alleles (0.00012%); highest among the groups gnomAD compares: Non-Finnish European, 0.00017%; no homozygotes.

Submissions (2):

Ambry Genetics
Classification: Uncertain significance for Inborn genetic diseases. Last evaluated: 2025-04-18. Review status: criteria provided, single submitter. Criteria: Ambry Variant Classification Scheme 2023. Collection method: clinical testing. Allele origin: germline.

Labcorp Genetics (formerly Invitae), Labcorp
Classification: Uncertain significance. Last evaluated: 2022-02-10. Review status: criteria provided, single submitter. Criteria: Invitae Variant Classification Sherloc (09022015). Collection method: clinical testing. Allele origin: germline.
Comment: This sequence change replaces glutamic acid, which is acidic and polar, with glutamine, which is neutral and polar, at codon 303 of the KCNV2 protein (p.Glu303Gln). The frequency data for this variant in the population databases is considered unreliable, as metrics indicate poor data quality at this position in the gnomAD database. This variant has not been reported in the literature in individuals affected with KCNV2-related conditions. ClinVar contains an entry for this variant (Variation ID: 1021614). Algorithms developed to predict the effect of missense changes on protein structure and function (SIFT, PolyPhen-2, Align-GVGD) all suggest that this variant is likely to be disruptive. In summary, the available evidence is currently insufficient to determine the role of this variant in disease. Therefore, it has been classified as a Variant of Uncertain Significance.

NM_133497.4(KCNV2):c.907G>C (p.Glu303Gln)

Gene: KCNV2 (potassium voltage-gated channel modifier subfamily V member 2; plus strand). Cytogenetic location: 9p24.2.
Variant type: single nucleotide variant.
Coding change: c.907G>C on transcript NM_133497.4 (MANE Select); coding-DNA position 907, G replaced by C.
Protein change: p.Glu303Gln; replaces glutamic acid 303 with glutamine.
Molecular consequence: missense variant.
Genome position (GRCh38, 1-based): chr9:2,718,646, G>C. VCF-style: chr9-2718646-G-C. GRCh37 (hg19) VCF-style: chr9-2718646-G-C.
Other names: c.907G>C (NM_133497.3); short protein forms E303Q.
Identifiers: ClinVar variation 1021614 (VCV001021614.7), dbSNP rs1266256987, ClinGen allele CA372799940.